The following is an entry in ClinVar:

ClinVar aggregate classification (germline): Uncertain significance (1 of 4 stars; one submission).

Allele frequency attached by ClinVar (database versions not stated): ExAC 0.00001; gnomAD 0.00001; gnomAD exomes 0.00001 and 0.00002; TOPMed 0.00002.

Submission:

GeneDx
Classification: Uncertain significance. Last evaluated: 2019-09-27. Review status: criteria provided, single submitter. Criteria: GeneDx Variant Classification Process June 2021. Collection method: clinical testing. Allele origin: germline. Affected: yes.
Comment: Not observed at a significant frequency in large population cohorts (Lek et al., 2016); In silico analysis, which includes protein predictors and evolutionary conservation, supports a deleterious effect; Has not been previously published as pathogenic or benign to our knowledge

NM_000275.3(OCA2):c.2110G>T (p.Val704Phe)

Gene: OCA2 (OCA2 melanosomal transmembrane protein; minus strand). Cytogenetic location: 15q13.1.
Variant type: single nucleotide variant.
Coding change: c.2110G>T on transcript NM_000275.3 (MANE Select); coding-DNA position 2110, G replaced by T.
Protein change: p.Val704Phe; replaces valine 704 with phenylalanine.
Molecular consequence: missense variant.
Genome position (GRCh38, 1-based): chr15:27,871,892, C>A on the plus strand (G>T on the coding strand, the complement: OCA2 is on the minus strand). VCF-style: chr15-27871892-C-A. GRCh37 (hg19) VCF-style: chr15-28117038-C-A.
Other names: c.2038G>T, p.Val680Phe (NM_001300984.2); short protein forms V680F, V704F.
Identifiers: ClinVar variation 1308726 (VCV001308726.2), dbSNP rs758611210, ClinGen allele CA7438752.